The following is an entry in ClinVar:

ClinVar aggregate classification (germline): Likely benign. Review status: criteria provided, multiple submitters, no conflicts (2 of 4 stars). 2 submissions from 2 submitters: Likely benign (2). Last evaluated 2025-06-12.

Conditions:
VSX2-related disorder. Also called: VSX2-related condition.
Isolated microphthalmia 2. Identifiers: Orphanet 2542, MedGen C1864720, MONDO:0012409, OMIM 610093.

Allele frequency attached by ClinVar (database versions not stated): gnomAD 0.00001; gnomAD exomes 0.00001; TOPMed 0.00001.
gnomAD v4.1: 17 of 1,593,188 alleles (0.0011%); highest among the groups gnomAD compares: South Asian, 0.0023%; no homozygotes.

Submissions (2):

PreventionGenetics, part of Exact Sciences
Classification: Likely benign for VSX2-related condition. Last evaluated: 2025-06-12. Review status: criteria provided, single submitter. Criteria: ACMG Guidelines, 2015. Collection method: clinical testing. Allele origin: germline.
Comment: This variant is classified as likely benign based on ACMG/AMP sequence variant interpretation guidelines (Richards et al. 2015 PMID: 25741868, with internal and published modifications).

Labcorp Genetics (formerly Invitae), Labcorp
Classification: Likely benign for Isolated microphthalmia 2. Last evaluated: 2023-09-24. Review status: criteria provided, single submitter. Criteria: Invitae Variant Classification Sherloc (09022015). Collection method: clinical testing. Allele origin: germline.

NM_182894.3(VSX2):c.882G>A (p.Ala294=)

Gene: VSX2 (visual system homeobox 2; plus strand). Cytogenetic location: 14q24.3.
Variant type: single nucleotide variant.
Coding change: c.882G>A on transcript NM_182894.3 (MANE Select); coding-DNA position 882, G replaced by A.
Protein change: p.Ala294=; no amino-acid change (alanine 294 retained).
Molecular consequence: synonymous variant.
Genome position (GRCh38, 1-based): chr14:74,260,715, G>A. VCF-style: chr14-74260715-G-A. GRCh37 (hg19) VCF-style: chr14-74727418-G-A.
Other names: c.882G>A (NM_182894.2).
Identifiers: ClinVar variation 1542533 (VCV001542533.9), dbSNP rs1439064328, ClinGen allele CA487265221.